The following is an entry in ClinVar:

NM_001376.5(DYNC1H1):c.6711G>A (p.Leu2237=)

Gene: DYNC1H1 (dynein cytoplasmic 1 heavy chain 1; plus strand). Cytogenetic location: 14q32.31.
Variant type: single nucleotide variant.
Coding change: c.6711G>A on transcript NM_001376.5 (MANE Select); coding-DNA position 6711, G replaced by A.
Protein change: p.Leu2237=; no amino-acid change (leucine 2237 retained).
Molecular consequence: synonymous variant.
Genome position (GRCh38, 1-based): chr14:102,011,967, G>A. VCF-style: chr14-102011967-G-A. GRCh37 (hg19) VCF-style: chr14-102478304-G-A.
Identifiers: ClinVar variation 312636 (VCV000312636.15), dbSNP rs886050369, ClinGen allele CA10639823.

ClinVar aggregate classification (germline): Conflicting classifications of pathogenicity. Review status: criteria provided, conflicting classifications (1 of 4 stars). 4 submissions from 3 submitters: Uncertain significance (2); Likely benign (2). Last evaluated 2025-08-01.

Conditions:
Autosomal dominant cerebellar ataxia. Also called: Spinocerebellar Ataxia, Dominant. Identifiers: Orphanet 99, MedGen C4087347, MONDO:0020380.
Charcot-Marie-Tooth disease axonal type 2O. Also called: Charcot-Marie-Tooth Neuropathy Type 2O; Charcot-Marie-Tooth disease, axonal, type 20; CHARCOT-MARIE-TOOTH NEUROPATHY, AXONAL, TYPE 2O; CHARCOT-MARIE-TOOTH DISEASE, AXONAL, AUTOSOMAL DOMINANT, TYPE 2O. Identifiers: Orphanet 284232, MedGen C3280220, MONDO:0013644, OMIM 614228.

gnomAD v4.1: 1 of 1,614,100 alleles (0.000062%); highest among the groups gnomAD compares: Middle Eastern, 0.016%; no homozygotes.

Submissions (4):

CeGaT Center for Human Genetics Tuebingen
Classification: Likely benign. Last evaluated: 2025-08-01. Review status: criteria provided, single submitter. Criteria: CeGaT Center For Human Genetics Tuebingen Variant Classification Criteria Version 2. Collection method: clinical testing. Allele origin: germline. Affected: yes. Observed: 1 variant allele.
Comment: DYNC1H1: BP4, BP7

Labcorp Genetics (formerly Invitae), Labcorp
Classification: Likely benign for Charcot-Marie-Tooth disease axonal type 2O. Last evaluated: 2024-02-01. Review status: criteria provided, single submitter. Criteria: Invitae Variant Classification Sherloc (09022015). Collection method: clinical testing. Allele origin: germline.

Illumina Laboratory Services, Illumina
Classification: Uncertain significance for Spinocerebellar Ataxia, Dominant. Last evaluated: 2018-01-13. Review status: criteria provided, single submitter. Criteria: ICSL Variant Classification Criteria 13 December 2019. Collection method: clinical testing. Allele origin: germline.

Illumina Laboratory Services, Illumina
Classification: Uncertain significance for Charcot-Marie-Tooth disease axonal type 2O. Last evaluated: 2018-01-13. Review status: criteria provided, single submitter. Criteria: ICSL Variant Classification Criteria 13 December 2019. Collection method: clinical testing. Allele origin: germline.